The following is an entry in ClinVar:

ClinVar aggregate classification (germline): Pathogenic. Review status: criteria provided, multiple submitters, no conflicts (2 of 4 stars). 6 submissions from 6 submitters: Pathogenic (4). 2 of the submissions do not count toward it. Last evaluated 2024-01-15.

Conditions:
Mitochondrial trifunctional protein deficiency 2 (MTPD2). Identifiers: MedGen C5830374, MONDO:0958185, OMIM 620300.
Mitochondrial trifunctional protein deficiency. Identifiers: Orphanet 746, MedGen C1969443, MONDO:0012172.
Type 2 diabetes mellitus. Also called: Type II diabetes mellitus. Identifiers: MedGen C0011860, MeSH D003924, MONDO:0005148, OMIM 125853, HP:0005978.

gnomAD v4.1: 5 of 1,614,006 alleles (0.00031%); highest among the groups gnomAD compares: East Asian, 0.011%; no homozygotes.

Submissions (6):

Fulgent Genetics
Classification: Pathogenic for Mitochondrial trifunctional protein deficiency 2. Last evaluated: 2024-01-15. Review status: criteria provided, single submitter. Criteria: ACMG Guidelines, 2015. Collection method: clinical testing. Allele origin: germline.

Labcorp Genetics (formerly Invitae), Labcorp
Classification: Pathogenic for Mitochondrial trifunctional protein deficiency. Last evaluated: 2023-06-17. Review status: criteria provided, single submitter. Criteria: Invitae Variant Classification Sherloc (09022015). Collection method: clinical testing. Allele origin: germline.
Comment: For these reasons, this variant has been classified as Pathogenic. Experimental studies have shown that this missense change affects HADHB function (PMID: 19699128, 26109258). Advanced modeling of protein sequence and biophysical properties (such as structural, functional, and spatial information, amino acid conservation, physicochemical variation, residue mobility, and thermodynamic stability) performed at Invitae indicates that this missense variant is not expected to disrupt HADHB protein function. ClinVar contains an entry for this variant (Variation ID: 14849). This missense change has been observed in individual(s) with mitochondrial trifunctional protein deficiency (PMID: 19699128, 19880769; Invitae). In at least one individual the data is consistent with being in trans (on the opposite chromosome) from a pathogenic variant. This variant is present in population databases (rs267606859, gnomAD 0.006%). This sequence change replaces valine, which is neutral and non-polar, with glycine, which is neutral and non-polar, at codon 455 of the HADHB protein (p.Val455Gly).

GeneDx
Classification: Pathogenic. Last evaluated: 2022-08-12. Review status: criteria provided, single submitter. Criteria: GeneDx Variant Classification Process June 2021. Collection method: clinical testing. Allele origin: germline. Affected: yes.
Comment: Published functional studies found this variant is associated with significantly reduced long-chain 3-ketoacyl-CoA thiolase activity (Purevsuren J et al., 2009); Not observed at significant frequency in large population cohorts (gnomAD); In silico analysis supports that this missense variant has a deleterious effect on protein structure/function; This variant is associated with the following publications: (PMID: 19880769, 21549624, 19699128, 27014569, 28515471, 32509533)

Women's Health and Genetics/Laboratory Corporation of America, LabCorp
Classification: Pathogenic for Mitochondrial trifunctional protein deficiency. Last evaluated: 2020-06-09. Review status: criteria provided, single submitter. Criteria: LabCorp Variant Classification Summary - May 2015. Collection method: clinical testing. Allele origin: germline.
Comment: Variant summary: HADHB c.1364T>G (p.Val455Gly) results in a non-conservative amino acid change located in the Thiolase, C-terminal domain (IPR020617) of the encoded protein sequence. Five of five in-silico tools predict a damaging effect of the variant on protein function. The variant allele was found at a frequency of 4e-06 in 251356 control chromosomes. c.1364T>G has been reported in the literature in individuals affected with Mitochondrial Trifunctional Protein Deficiency and has been subsequently cited by others (example, Purevsuren_2009, Park_2009, Bo_2017, Boutron_2011, Bo_2016). These data indicate that the variant is likely to be associated with disease. At least one publication reports experimental evidence evaluating an impact on protein function. The most pronounced variant effect results in <10% of normal activity (Purevsuren_2009). No clinical diagnostic laboratories have submitted clinical-significance assessments for this variant to ClinVar after 2014. Based on the evidence outlined above, the variant was classified as pathogenic.

Gene Friend Way, National Innovation Center
Classification: Pathogenic for Type 2 diabetes mellitus. Last evaluated: 2025-01-01. Review status: no assertion criteria provided. Collection method: clinical testing. Allele origin: unknown. Affected: yes. Observed: 1 variant allele. Not counted in ClinVar's aggregate classification.
Comment: In silico tools predict a damaging effect of this missense variant on protein function, which has been supported by experimental studies (PMID: 19699128, 26109258). HADHB is critical for fatty acid 𝛽-oxidation; impairments in this process are a hallmark of insulin resistance and obesity (PMID: 34878152).

OMIM
Classification: Pathogenic for MITOCHONDRIAL TRIFUNCTIONAL PROTEIN DEFICIENCY. Last evaluated: 2009-12-01. Review status: no assertion criteria provided. Collection method: literature only. Allele origin: germline. Not counted in ClinVar's aggregate classification.

Literature cited by the submitters: PubMed 19699128 (cited by 4 submitters); PubMed 26109258 (cited by Labcorp Genetics (formerly Invitae), Labcorp and Gene Friend Way, National Innovation Center); PubMed 19880769 (cited by Labcorp Genetics (formerly Invitae), Labcorp and Women's Health and Genetics/Laboratory Corporation of America, LabCorp); PubMed 21549624 (cited by Women's Health and Genetics/Laboratory Corporation of America, LabCorp); PubMed 28515471 (cited by Women's Health and Genetics/Laboratory Corporation of America, LabCorp); PubMed 27014569 (cited by Women's Health and Genetics/Laboratory Corporation of America, LabCorp); PubMed 34878152 (cited by Gene Friend Way, National Innovation Center).

NM_000183.3(HADHB):c.1364T>G (p.Val455Gly)

Gene: HADHB (hydroxyacyl-CoA dehydrogenase trifunctional multienzyme complex subunit beta; plus strand). Cytogenetic location: 2p23.3.
Variant type: single nucleotide variant.
Coding change: c.1364T>G on transcript NM_000183.3 (MANE Select); coding-DNA position 1364, T replaced by G.
Protein change: p.Val455Gly; replaces valine 455 with glycine.
Molecular consequence: missense variant.
Genome position (GRCh38, 1-based): chr2:26,285,546, T>G. VCF-style: chr2-26285546-T-G. GRCh37 (hg19) VCF-style: chr2-26508414-T-G.
Other names: V422G; c.1319T>G, p.Val440Gly (NM_001281512.2); c.1298T>G, p.Val433Gly (NM_001281513.2); short protein forms V433G, V440G, V455G.
Identifiers: ClinVar variation 14849 (VCV000014849.13), dbSNP rs267606859, ClinGen allele CA341344.
Genomic context (GRCh38, chr2:26,285,546, plus strand): 5'-GCAGGTTGGTCATGGCTGCTGCCAACAGATTACGGAAAGAAGGAGGCCAGTATGGCTTAG[T>G]GGCTGCGTGTGCAGCTGGAGGGCAGGTACGTTACAGTGGTGTCATAGGACCCTCCAGAGA-3'
Protein context (NP_000174.1, residues 445-465): LRKEGGQYGL[Val455Gly]AACAAGGQGH